The following is an entry in ClinVar:

NM_152490.5(B3GALNT2):c.1A>G (p.Met1Val)

Gene: B3GALNT2 (beta-1,3-N-acetylgalactosaminyltransferase 2; minus strand). Cytogenetic location: 1q42.3.
Variant type: single nucleotide variant.
Coding change: c.1A>G on transcript NM_152490.5 (MANE Select); coding-DNA position 1, A replaced by G.
Protein change: p.Met1Val; changes the start codon (methionine 1).
Molecular consequence: missense variant, initiator codon variant.
Genome position (GRCh38, 1-based): chr1:235,504,252, T>C on the plus strand (A>G on the coding strand, the complement: B3GALNT2 is on the minus strand). VCF-style: chr1-235504252-T-C. GRCh37 (hg19) VCF-style: chr1-235667552-T-C.
Other names: c.1A>G, p.Met1Val (NM_001277155.3); short protein forms M1V.
Identifiers: ClinVar variation 1421369 (VCV001421369.31), dbSNP rs763641118, ClinGen allele CA1465035.
Genomic context (GRCh38, chr1:235,504,252, plus strand): 5'-GCCAGAGGTGCAGCGCGGCCCCGAGCACACACGGGCACAGCAGCACCAGCCAGTTTCGCA[T>C]TGGCCGCCCCCGCCGCGAGCCGGGCTCTCCCGCGTCCCGGCGGAGAGGGAGGGGACCTGC-3'
Protein context (NP_689703.1, residues 1-11): [Met1Val]RNWLVLLCPC

ClinVar aggregate classification (germline): Conflicting classifications of pathogenicity. Review status: criteria provided, conflicting classifications (1 of 4 stars). 3 submissions from 3 submitters: Pathogenic (1); Likely pathogenic (1); Uncertain significance (1). Last evaluated 2024-05-20.

Conditions:
Muscular dystrophy-dystroglycanopathy (congenital with brain and eye anomalies), type a, 11 (MDDGA11). Also called: Congenital muscular dystrophy-dystroglycanopathy with brain and eye anomalies, type A11; Muscular dystrophy-dystroglycanopathy (congenital with brain and eye anomalies, type A, 11; WALKER-WARBURG SYNDROME OR MUSCLE-EYE-BRAIN DISEASE, B3GALNT2-RELATED. Identifiers: Orphanet 588, Orphanet 899, MedGen C3554638, MONDO:0014071, OMIM 615181.

Allele frequency attached by ClinVar (database versions not stated): gnomAD 0.00001; TOPMed 0.00001; gnomAD exomes 0.00002; ExAC 0.00012.

Submissions (3):

Labcorp Genetics (formerly Invitae), Labcorp
Classification: Likely pathogenic for Muscular dystrophy-dystroglycanopathy (congenital with brain and eye anomalies), type a, 11. Last evaluated: 2024-05-20. Review status: criteria provided, single submitter. Criteria: Invitae Variant Classification Sherloc (09022015). Collection method: clinical testing. Allele origin: germline.
Comment: This sequence change affects the initiator methionine of the B3GALNT2 mRNA. The next in-frame methionine is located at codon 75. The frequency data for this variant in the population databases is considered unreliable, as metrics indicate poor data quality at this position in the gnomAD database. Disruption of the initiator codon has been observed in individual(s) with clinical features of Walker–Warburg syndrome (PMID: 35338537). In at least one individual the data is consistent with being in trans (on the opposite chromosome) from a pathogenic variant. It has also been observed to segregate with disease in related individuals. ClinVar contains an entry for this variant (Variation ID: 1421369). In summary, the currently available evidence indicates that the variant is pathogenic, but additional data are needed to prove that conclusively. Therefore, this variant has been classified as Likely Pathogenic.

CeGaT Center for Human Genetics Tuebingen
Classification: Uncertain significance. Last evaluated: 2023-03-01. Review status: criteria provided, single submitter. Criteria: CeGaT Center For Human Genetics Tuebingen Variant Classification Criteria Version 2. Collection method: clinical testing. Allele origin: germline. Affected: yes. Observed: 1 variant allele.

Neuberg Centre For Genomic Medicine, NCGM
Classification: Pathogenic for Muscular dystrophy-dystroglycanopathy (congenital with brain and eye anomalies), type a, 11. Review status: criteria provided, single submitter. Criteria: ACMG Guidelines, 2015. Collection method: clinical testing. Allele origin: germline. Inheritance: Autosomal recessive inheritance. Affected: yes.

Literature cited by the submitters: PubMed 35338537 (cited by Labcorp Genetics (formerly Invitae), Labcorp).